The following is an entry in ClinVar:

ClinVar aggregate classification (germline): Conflicting classifications of pathogenicity. Review status: criteria provided, conflicting classifications (1 of 4 stars). 2 submissions from 2 submitters: Likely pathogenic (1); Uncertain significance (1). Last evaluated 2025-04-22.

Conditions:
Diffuse cerebral and cerebellar atrophy - intractable seizures - progressive microcephaly syndrome. Also called: Microcephaly, progressive, with seizures and cerebral and cerebellar atrophy. Identifiers: Orphanet 404437, MedGen C4014239, MONDO:0014335, OMIM 615760.

Allele frequency attached by ClinVar (database versions not stated): gnomAD 0.00001; gnomAD exomes 0.00001; TOPMed 0.00003.
gnomAD v4.1: 21 of 1,612,192 alleles (0.0013%); highest among the groups gnomAD compares: Middle Eastern, 0.033%; no homozygotes.

Submissions (2):

Medical Genetic Diagnosis and Therapy Center, Fujian Medical University
Classification: Likely pathogenic for Diffuse cerebral and cerebellar atrophy - intractable seizures - progressive microcephaly syndrome. Last evaluated: 2025-04-22. Review status: criteria provided, single submitter. Criteria: ACMG Guidelines 2015. Collection method: clinical testing. Allele origin: paternal. Inheritance: Autosomal recessive inheritance. Affected: yes. Observed: 1 compound heterozygote.
Comment: This variant is classified as likely pathogenic according to the ACMG guidelines (LP: PM2+PM3+PP1+PP4).

Labcorp Genetics (formerly Invitae), Labcorp
Classification: Uncertain significance for Diffuse cerebral and cerebellar atrophy - intractable seizures - progressive microcephaly syndrome. Last evaluated: 2022-08-09. Review status: criteria provided, single submitter. Criteria: Invitae Variant Classification Sherloc (09022015). Collection method: clinical testing. Allele origin: germline.
Comment: This sequence change replaces arginine, which is basic and polar, with histidine, which is basic and polar, at codon 265 of the QARS protein (p.Arg265His). This variant is not present in population databases (gnomAD no frequency). This variant has not been reported in the literature in individuals affected with QARS-related conditions. ClinVar contains an entry for this variant (Variation ID: 1002527). Algorithms developed to predict the effect of missense changes on protein structure and function are either unavailable or do not agree on the potential impact of this missense change (SIFT: "Tolerated"; PolyPhen-2: "Probably Damaging"; Align-GVGD: "Class C0"). In summary, the available evidence is currently insufficient to determine the role of this variant in disease. Therefore, it has been classified as a Variant of Uncertain Significance.

Literature cited by the submitters: PubMed 37250406 (cited by Medical Genetic Diagnosis and Therapy Center, Fujian Medical University).

NM_005051.3(QARS1):c.794G>A (p.Arg265His)

Gene: QARS1 (glutaminyl-tRNA synthetase 1; minus strand). Cytogenetic location: 3p21.31.
Variant type: single nucleotide variant.
Coding change: c.794G>A on transcript NM_005051.3 (MANE Select); coding-DNA position 794, G replaced by A.
Protein change: p.Arg265His; replaces arginine 265 with histidine.
Molecular consequence: missense variant. On other transcripts: non-coding transcript variant (1).
Genome position (GRCh38, 1-based): chr3:49,101,437, C>T on the plus strand (G>A on the coding strand, the complement: QARS1 is on the minus strand). VCF-style: chr3-49101437-C-T. GRCh37 (hg19) VCF-style: chr3-49138870-C-T.
Other names: c.761G>A, p.Arg254His (NM_001272073.2); short protein forms R254H, R265H.
Identifiers: ClinVar variation 1002527 (VCV001002527.31), dbSNP rs916890735, ClinGen allele CA74475994.